The following is an entry in ClinVar:

NM_002839.4(PTPRD):c.2600C>T (p.Pro867Leu)

Genes: PTPRD (protein tyrosine phosphatase receptor type D; minus strand), LOC126860578 (MED14-independent group 3 enhancer GRCh37_chr9:8485393-8486592; plus strand). Cytogenetic location: 9p24.1.
Variant type: single nucleotide variant.
Coding change: c.2600C>T on transcript NM_002839.4 (MANE Select); coding-DNA position 2600, C replaced by T.
Protein change: p.Pro867Leu; replaces proline 867 with leucine.
Molecular consequence: missense variant. On other transcripts: intron variant (7).
Genome position (GRCh38, 1-based): chr9:8,486,217, G>A on the plus strand (C>T on the coding strand, the complement: PTPRD is on the minus strand). VCF-style: chr9-8486217-G-A. GRCh37 (hg19) VCF-style: chr9-8486217-G-A.
Other names: c.2600C>T, p.Pro867Leu (NM_001377958.1, NM_001378058.1); c.1793-893C>T (NM_001171025.2); c.1805-893C>T (NM_001377946.1); c.1814-890C>T (NM_001377947.1); c.1823-893C>T (NM_130391.4, NM_130392.3); c.1814-893C>T (NM_001040712.2); c.1805-890C>T (NM_130393.3); short protein forms P867L.
Identifiers: ClinVar variation 3039525 (VCV003039525.3), dbSNP rs73426359, ClinGen allele CA4984049.

ClinVar aggregate classification (germline): Uncertain significance. Review status: criteria provided, single submitter (1 of 4 stars). 2 submissions from 2 submitters: Uncertain significance (1). 1 of the submissions does not count toward it. Last evaluated 2025-08-02.

Conditions:
PTPRD-related disorder. Also called: PTPRD-related condition.

Allele frequency attached by ClinVar (database versions not stated): gnomAD exomes 0.00019; ExAC 0.00065; gnomAD 0.00193; TOPMed 0.00201; ESP Exome Variant Server 0.00231; 1000 Genomes Project 0.00280; 1000 Genomes Project 30x 0.00390.
gnomAD v4.1: 573 of 1,614,162 alleles (0.035%); highest among the groups gnomAD compares: African/African-American, 0.71%; 4 homozygotes.

Submissions (2):

Ambry Genetics
Classification: Uncertain significance. Last evaluated: 2025-08-02. Review status: criteria provided, single submitter. Criteria: Ambry Variant Classification Scheme 2023. Collection method: clinical testing. Allele origin: germline.

PreventionGenetics, part of Exact Sciences
Classification: Benign for PTPRD-related condition. Last evaluated: 2019-09-10. Review status: no assertion criteria provided. Collection method: clinical testing. Allele origin: germline. Not counted in ClinVar's aggregate classification.
Comment: This variant is classified as benign based on ACMG/AMP sequence variant interpretation guidelines (Richards et al. 2015 PMID: 25741868, with internal and published modifications).